The following is an entry in ClinVar:

ClinVar aggregate classification (germline): Uncertain significance (1 of 4 stars; one submission).

Conditions:
Fanconi anemia (FA). Also called: Fanconi's anemia. Identifiers: Orphanet 84, MedGen C0015625, MeSH D005199, MONDO:0019391.

Allele frequency attached by ClinVar (database versions not stated): gnomAD exomes below 0.00001.
gnomAD v4.1: 1 of 1,614,122 alleles (0.000062%); highest among the groups gnomAD compares: East Asian, 0.0022%; no homozygotes.

Submission:

Labcorp Genetics (formerly Invitae), Labcorp
Classification: Uncertain significance for Fanconi anemia. Last evaluated: 2022-04-11. Review status: criteria provided, single submitter. Criteria: Invitae Variant Classification Sherloc (09022015). Collection method: clinical testing. Allele origin: germline.
Comment: This variant has not been reported in the literature in individuals affected with FANCM-related conditions. This variant is not present in population databases (gnomAD no frequency). This sequence change replaces lysine, which is basic and polar, with glutamic acid, which is acidic and polar, at codon 1661 of the FANCM protein (p.Lys1661Glu). Algorithms developed to predict the effect of missense changes on protein structure and function (SIFT, PolyPhen-2, Align-GVGD) all suggest that this variant is likely to be tolerated. In summary, the available evidence is currently insufficient to determine the role of this variant in disease. Therefore, it has been classified as a Variant of Uncertain Significance. Algorithms developed to predict the effect of sequence changes on RNA splicing suggest that this variant may create or strengthen a splice site.

NM_020937.4(FANCM):c.4981A>G (p.Lys1661Glu)

Gene: FANCM (FA complementation group M; plus strand). Cytogenetic location: 14q21.2.
Variant type: single nucleotide variant.
Coding change: c.4981A>G on transcript NM_020937.4 (MANE Select); coding-DNA position 4981, A replaced by G.
Protein change: p.Lys1661Glu; replaces lysine 1661 with glutamic acid.
Molecular consequence: missense variant.
Genome position (GRCh38, 1-based): chr14:45,189,003, A>G. VCF-style: chr14-45189003-A-G. GRCh37 (hg19) VCF-style: chr14-45658206-A-G.
Other names: c.4903A>G, p.Lys1635Glu (NM_001308133.2); short protein forms K1661E, K1635E.
Identifiers: ClinVar variation 1386305 (VCV001386305.6), dbSNP rs1324848045, ClinGen allele CA389611830.